The following is an entry in ClinVar:

NM_001177676.2(GPR68):c.219G>A (p.Ser73=)

Gene: GPR68 (G protein-coupled receptor 68; minus strand). Cytogenetic location: 14q32.11.
Variant type: single nucleotide variant.
Coding change: c.219G>A on transcript NM_001177676.2 (MANE Select); coding-DNA position 219, G replaced by A.
Protein change: p.Ser73=; no amino-acid change (serine 73 retained).
Molecular consequence: synonymous variant.
Genome position (GRCh38, 1-based): chr14:91,234,832, C>T on the plus strand (G>A on the coding strand, the complement: GPR68 is on the minus strand). VCF-style: chr14-91234832-C-T. GRCh37 (hg19) VCF-style: chr14-91701176-C-T.
Other names: c.219G>A, p.Ser73= (NM_001348437.1, NM_003485.3).
Identifiers: ClinVar variation 3035041 (VCV003035041.2), dbSNP rs140107243, ClinGen allele CA7308400.
Genomic context (GRCh38, chr14:91,234,832, plus strand): 5'-GGACAGGTCGCCGTGAGACCAGTTGTCGTGCTGCAGCACGTACTGCAGCCAGAAGGGCAG[C>T]GAGCAGATGTAGAAGAGGTCGGCCACCGTCAGGTTGCACAGGTACACGCCCAGCTCGTTC-3'
Protein context (NP_001171147.1, residues 63-83): LTVADLFYIC[Ser73=]LPFWLQYVLQ

ClinVar aggregate classification (germline): Likely benign (0 of 4 stars; one submission).

Conditions:
GPR68-related disorder. Also called: GPR68-related condition.

Allele frequency attached by ClinVar (database versions not stated): gnomAD exomes 0.00001; ExAC 0.00004; TOPMed 0.00005; gnomAD 0.00006; ESP Exome Variant Server 0.00008; 1000 Genomes Project 30x 0.00016; 1000 Genomes Project 0.00020.

Submission:

PreventionGenetics, part of Exact Sciences
Classification: Likely benign for GPR68-related condition. Last evaluated: 2019-08-14. Review status: no assertion criteria provided. Collection method: clinical testing. Allele origin: germline.
Comment: This variant is classified as likely benign based on ACMG/AMP sequence variant interpretation guidelines (Richards et al. 2015 PMID: 25741868, with internal and published modifications).